The following is an entry in ClinVar:

NM_001723.7(DST):c.7496G>A (p.Arg2499Gln)

Gene: DST (dystonin; minus strand). Cytogenetic location: 6p12.1.
Variant type: single nucleotide variant.
Coding change: c.7496G>A on transcript NM_001723.7 (MANE Plus Clinical); coding-DNA position 7496, G replaced by A.
Protein change: p.Arg2499Gln; replaces arginine 2499 with glutamine.
Molecular consequence: missense variant. On other transcripts: intron variant (10).
Genome position (GRCh38, 1-based): chr6:56,615,971, C>T on the plus strand (G>A on the coding strand, the complement: DST is on the minus strand). VCF-style: chr6-56615971-C-T. GRCh37 (hg19) VCF-style: chr6-56480769-C-T.
Other names: c.3319-1487G>A (NM_015548.5); c.4831-1487G>A (NM_001144769.5); c.4930-1487G>A (NM_001374722.1, NM_001374736.1); c.4957-1487G>A (NM_001374734.1); c.4417-1487G>A (NM_001144770.2); c.4297-1487G>A (NM_001374730.1, NM_001386100.1, NM_183380.4 and 1 more transcripts); short protein forms R2499Q.
Identifiers: ClinVar variation 580623 (VCV000580623.10), dbSNP rs148062292, ClinGen allele CA3869952.

ClinVar aggregate classification (germline): Uncertain significance (1 of 4 stars; one submission).

Conditions:
Epidermolysis bullosa simplex 3, localized or generalized intermediate, with BP230 deficiency (EBS3). Also called: Epidermolysis bullosa simplex, autosomal recessive 2; Epidermolysis bullosa simplex due to BP230 deficiency. Identifiers: Orphanet 412181, MedGen C3809470, MONDO:0014180, OMIM 615425.
Hereditary sensory and autonomic neuropathy type 6. Also called: HSAN VI; Neuropathy, hereditary sensory and autonomic, type VI. Identifiers: Orphanet 314381, MedGen C3539003, MONDO:0013839, OMIM 614653.

Allele frequency attached by ClinVar (database versions not stated): gnomAD 0.00001; TOPMed 0.00002; ESP Exome Variant Server 0.00008.
gnomAD v4.1: 14 of 1,614,106 alleles (0.00087%); highest among the groups gnomAD compares: South Asian, 0.0033%; no homozygotes.

Submission:

Labcorp Genetics (formerly Invitae), Labcorp
Classification: Uncertain significance for Epidermolysis bullosa simplex 3, localized or generalized intermediate, with BP230 deficiency; Hereditary sensory and autonomic neuropathy type 6. Last evaluated: 2025-07-21. Review status: criteria provided, single submitter. Criteria: Invitae Variant Classification Sherloc (09022015). Collection method: clinical testing. Allele origin: germline.
Comment: This sequence change replaces arginine, which is basic and polar, with glutamine, which is neutral and polar, at codon 2499 of the DST protein (p.Arg2499Gln). This variant is present in population databases (rs148062292, gnomAD 0.006%). This variant has not been reported in the literature in individuals affected with DST-related conditions. ClinVar contains an entry for this variant (Variation ID: 580623). An algorithm developed to predict the effect of missense changes on protein structure and function (PolyPhen-2) suggests that this variant is likely to be tolerated. In summary, the available evidence is currently insufficient to determine the role of this variant in disease. Therefore, it has been classified as a Variant of Uncertain Significance.